The following is an entry in ClinVar:

ClinVar aggregate classification (germline): Uncertain significance. Review status: criteria provided, multiple submitters, no conflicts (2 of 4 stars). 2 submissions from 2 submitters: Uncertain significance (2). Last evaluated 2023-05-16.

Conditions:
Hereditary cancer-predisposing syndrome. Also called: Tumor predisposition; Hereditary neoplastic syndrome; Neoplastic Syndromes, Hereditary; Hereditary Cancer Syndrome. Identifiers: Orphanet 140162, MedGen C0027672, MeSH D009386, MONDO:0015356.
Tuberous sclerosis 2 (TSC2). Identifiers: Orphanet 805, MedGen C1860707, MONDO:0013199, OMIM 613254.

gnomAD v4.1: 1 of 1,612,964 alleles (0.000062%); highest among the groups gnomAD compares: East Asian, 0.0022%; no homozygotes.

Submissions (2):

Labcorp Genetics (formerly Invitae), Labcorp
Classification: Uncertain significance for Tuberous sclerosis 2. Last evaluated: 2023-05-16. Review status: criteria provided, single submitter. Criteria: Invitae Variant Classification Sherloc (09022015). Collection method: clinical testing. Allele origin: germline.
Comment: In summary, the available evidence is currently insufficient to determine the role of this variant in disease. Therefore, it has been classified as a Variant of Uncertain Significance. Advanced modeling of protein sequence and biophysical properties (such as structural, functional, and spatial information, amino acid conservation, physicochemical variation, residue mobility, and thermodynamic stability) performed at Invitae indicates that this missense variant is not expected to disrupt TSC2 protein function. This variant has not been reported in the literature in individuals affected with TSC2-related conditions. This variant is not present in population databases (gnomAD no frequency). This sequence change replaces threonine, which is neutral and polar, with serine, which is neutral and polar, at codon 1173 of the TSC2 protein (p.Thr1173Ser).

Ambry Genetics
Classification: Uncertain significance for Hereditary cancer-predisposing syndrome. Last evaluated: 2023-04-10. Review status: criteria provided, single submitter. Criteria: Ambry Variant Classification Scheme 2023. Collection method: clinical testing. Allele origin: germline.
Comment: The p.T1173S variant (also known as c.3518C>G), located in coding exon 29 of the TSC2 gene, results from a C to G substitution at nucleotide position 3518. The threonine at codon 1173 is replaced by serine, an amino acid with similar properties. This amino acid position is conserved. In addition, this alteration is predicted to be tolerated by in silico analysis. Since supporting evidence is limited at this time, the clinical significance of this alteration remains unclear.

NM_000548.5(TSC2):c.3518C>G (p.Thr1173Ser)

Gene: TSC2 (TSC complex subunit 2; plus strand). Cytogenetic location: 16p13.3.
Variant type: single nucleotide variant.
Coding change: c.3518C>G on transcript NM_000548.5 (MANE Select); coding-DNA position 3518, C replaced by G.
Protein change: p.Thr1173Ser; replaces threonine 1173 with serine.
Molecular consequence: missense variant. On other transcripts: non-coding transcript variant (5).
Genome position (GRCh38, 1-based): chr16:2,080,285, C>G. VCF-style: chr16-2080285-C-G. GRCh37 (hg19) VCF-style: chr16-2130286-C-G.
Other names: c.2174C>G, p.Thr725Ser (NM_001406689.1); c.2045C>G, p.Thr682Ser (NM_001406690.1, NM_001406692.1, NM_001406693.1 and 1 more transcripts); c.2042C>G, p.Thr681Ser (NM_001406691.1, NM_001406695.1, NM_001406696.1 and 1 more transcripts); c.1784C>G, p.Thr595Ser (NM_001406698.1); c.3386C>G, p.Thr1129Ser (NM_001077183.3, NM_001370404.1, NM_001406665.1); c.3518C>G, p.Thr1173Ser (NM_001114382.3); c.3278C>G, p.Thr1093Ser (NM_001318827.2); c.3242C>G, p.Thr1081Ser (NM_001318829.2); and 18 more; short protein forms T1124S, T1172S, T681S, T973S, T976S, T1081S, T1126S, T1140S.
Identifiers: ClinVar variation 2560705 (VCV002560705.5), dbSNP rs2089969949, ClinGen allele CA394289323.